The following is an entry in ClinVar:

ClinVar aggregate classification (germline): Benign/Likely benign. Review status: criteria provided, multiple submitters, no conflicts (2 of 4 stars). 3 submissions from 3 submitters: Benign (1); Likely benign (2). Last evaluated 2026-04-20.

Conditions:
DICER1-related tumor predisposition. Also called: DICER1-related pleuropulmonary blastoma cancer predisposition syndrome; DICER1 syndrome. Identifiers: Orphanet 284343, MedGen C3839822, MONDO:0100216.
Hereditary cancer-predisposing syndrome. Also called: Hereditary neoplastic syndrome; Neoplastic Syndromes, Hereditary; Hereditary Cancer Syndrome; Tumor predisposition. Identifiers: Orphanet 140162, MedGen C0027672, MeSH D009386, MONDO:0015356.

Allele frequency attached by ClinVar (database versions not stated): TOPMed 0.00002; gnomAD 0.00001; gnomAD exomes 0.00001 and 0.00003; ExAC 0.00002.
gnomAD v4.1: 20 of 1,614,200 alleles (0.0012%); highest among the groups gnomAD compares: East Asian, 0.038%; no homozygotes.

Submissions (3):

Myriad Genetics, Inc.
Classification: Benign for DICER1-related tumor predisposition. Last evaluated: 2026-04-20. Review status: criteria provided, single submitter. Criteria: Myriad Autosomal Dominant, Autosomal Recessive and X-Linked Classification Criteria (2023). Collection method: clinical testing. Allele origin: unknown.
Comment: This variant is considered benign. This variant is a silent/synonymous amino acid change and it is not expected to impact splicing.

Labcorp Genetics (formerly Invitae), Labcorp
Classification: Likely benign for DICER1-related tumor predisposition. Last evaluated: 2025-12-22. Review status: criteria provided, single submitter. Criteria: Invitae Variant Classification Sherloc (09022015). Collection method: clinical testing. Allele origin: germline.

Ambry Genetics
Classification: Likely benign for Hereditary cancer-predisposing syndrome. Last evaluated: 2017-06-28. Review status: criteria provided, single submitter. Criteria: Ambry Variant Classification Scheme 2023. Collection method: clinical testing. Allele origin: germline.

NM_177438.3(DICER1):c.4416T>C (p.Phe1472=)

Gene: DICER1 (dicer 1, ribonuclease III; minus strand). Cytogenetic location: 14q32.13.
Variant type: single nucleotide variant.
Coding change: c.4416T>C on transcript NM_177438.3 (MANE Select); coding-DNA position 4416, T replaced by C.
Protein change: p.Phe1472=; no amino-acid change (phenylalanine 1472 retained).
Molecular consequence: synonymous variant.
Genome position (GRCh38, 1-based): chr14:95,096,504, A>G on the plus strand (T>C on the coding strand, the complement: DICER1 is on the minus strand). VCF-style: chr14-95096504-A-G. GRCh37 (hg19) VCF-style: chr14-95562841-A-G.
Other names: c.4416T>C, p.Phe1472= (NM_001195573.1, NM_001271282.3, NM_001291628.2 and 1 more transcripts).
Identifiers: ClinVar variation 477203 (VCV000477203.18), dbSNP rs775712479, ClinGen allele CA7330849.
Genomic context (GRCh38, chr14:95,096,504, plus strand): 5'-CATACTACCTAAGGAGGATTTTTTGGGCATTTTCCATTCATATGCAGAATCAGTGGTTGA[A>G]AAAGGAGAAAGAGAGATTTTCTTTACAAAAGCTCCTGACCCCATTAACATATTATCTATA-3'
Protein context (NP_803187.1, residues 1462-1482): AFVKKISLSP[Phe1472=]STTDSAYEWK